The following is an entry in ClinVar:

NM_004465.2(FGF10):c.97G>A (p.Val33Ile)

Gene: FGF10 (fibroblast growth factor 10; minus strand). Cytogenetic location: 5p12.
Variant type: single nucleotide variant.
Coding change: c.97G>A on transcript NM_004465.2 (MANE Select); coding-DNA position 97, G replaced by A.
Protein change: p.Val33Ile; replaces valine 33 with isoleucine.
Molecular consequence: missense variant.
Genome position (GRCh38, 1-based): chr5:44,388,586, C>T on the plus strand (G>A on the coding strand, the complement: FGF10 is on the minus strand). VCF-style: chr5-44388586-C-T. GRCh37 (hg19) VCF-style: chr5-44388688-C-T.
Other names: short protein forms V33I.
Identifiers: ClinVar variation 193283 (VCV000193283.19), dbSNP rs145373611, ClinGen allele CA200465.

ClinVar aggregate classification (germline): Benign/Likely benign. Review status: criteria provided, multiple submitters, no conflicts (2 of 4 stars). 4 submissions from 4 submitters: Benign (2); Likely benign (1). 1 of the submissions does not count toward it. Last evaluated 2025-07-25.

Conditions:
Congenital absence of salivary gland (ALSG). Also called: Aplasia of lacrimal and salivary glands; Salivary glands, absence of. Identifiers: Orphanet 86815, MedGen C0158667, MONDO:0008397, OMIM 180920.
FGF10-related disorder. Also called: FGF10-related condition.

Allele frequency attached by ClinVar (database versions not stated): 1000 Genomes Project 0.00120; 1000 Genomes Project 30x 0.00156; ESP Exome Variant Server 0.00169; gnomAD 0.00203 and 0.00211; TOPMed 0.00214; gnomAD exomes 0.00054; ExAC 0.00065.

Submissions (4):

Labcorp Genetics (formerly Invitae), Labcorp
Classification: Benign. Last evaluated: 2025-07-25. Review status: criteria provided, single submitter. Criteria: Invitae Variant Classification Sherloc (09022015). Collection method: clinical testing. Allele origin: germline.

Illumina Laboratory Services, Illumina
Classification: Benign for Congenital absence of salivary gland. Last evaluated: 2018-01-13. Review status: criteria provided, single submitter. Criteria: ICSL Variant Classification Criteria 13 December 2019. Collection method: clinical testing. Allele origin: germline.
Comment: This variant was observed in the ICSL laboratory as part of a predisposition screen in an ostensibly healthy population. It had not been previously curated by ICSL or reported in the Human Gene Mutation Database (HGMD: prior to June 1st, 2018), and was therefore a candidate for classification through an automated scoring system. Utilizing variant allele frequency, disease prevalence and penetrance estimates, and inheritance mode, an automated score was calculated to assess if this variant is too frequent to cause the disease. Based on the score and internal cut-off values, a variant classified as benign is not then subjected to further curation. The score for this variant resulted in a classification of benign for this disease.

Eurofins Ntd Llc (ga)
Classification: Likely benign. Last evaluated: 2015-02-27. Review status: criteria provided, single submitter. Criteria: EGL Classification Definitions 2015. Collection method: clinical testing. Allele origin: germline. Observed: 1 variant allele, 1 heterozygote.

PreventionGenetics, part of Exact Sciences
Classification: Benign for FGF10-related condition. Last evaluated: 2019-06-04. Review status: no assertion criteria provided. Collection method: clinical testing. Allele origin: germline. Not counted in ClinVar's aggregate classification.
Comment: This variant is classified as benign based on ACMG/AMP sequence variant interpretation guidelines (Richards et al. 2015 PMID: 25741868, with internal and published modifications).